The following is an entry in ClinVar:

ClinVar aggregate classification (germline): Uncertain significance (1 of 4 stars; one submission).

Allele frequency attached by ClinVar (database versions not stated): TOPMed below 0.00001; gnomAD 0.00001; gnomAD exomes 0.00002.
gnomAD v4.1: 27 of 1,613,978 alleles (0.0017%); highest among the groups gnomAD compares: East Asian, 0.0022%; no homozygotes.

Submission:

Labcorp Genetics (formerly Invitae), Labcorp
Classification: Uncertain significance. Last evaluated: 2024-10-16. Review status: criteria provided, single submitter. Criteria: Invitae Variant Classification Sherloc (09022015). Collection method: clinical testing. Allele origin: germline.
Comment: This sequence change replaces proline, which is neutral and non-polar, with leucine, which is neutral and non-polar, at codon 822 of the EIF2AK3 protein (p.Pro822Leu). This variant is present in population databases (rs551274166, gnomAD 0.003%). This variant has not been reported in the literature in individuals affected with EIF2AK3-related conditions. ClinVar contains an entry for this variant (Variation ID: 1367166). An algorithm developed to predict the effect of missense changes on protein structure and function outputs the following: PolyPhen-2: "Benign". The leucine amino acid residue is found in multiple mammalian species, which suggests that this missense change does not adversely affect protein function. In summary, the available evidence is currently insufficient to determine the role of this variant in disease. Therefore, it has been classified as a Variant of Uncertain Significance.

NM_004836.7(EIF2AK3):c.2465C>T (p.Pro822Leu)

Genes: EIF2AK3 (eukaryotic translation initiation factor 2 alpha kinase 3; minus strand), EIF2AK3-AS1 (EIF2AK3 antisense RNA 1; plus strand). Cytogenetic location: 2p11.2.
Variant type: single nucleotide variant.
Coding change: c.2465C>T on transcript NM_004836.7 (MANE Select); coding-DNA position 2465, C replaced by T.
Protein change: p.Pro822Leu; replaces proline 822 with leucine.
Molecular consequence: missense variant. On other transcripts: non-coding transcript variant (1).
Genome position (GRCh38, 1-based): chr2:88,575,018, G>A on the plus strand (C>T on the coding strand, the complement: EIF2AK3 is on the minus strand). VCF-style: chr2-88575018-G-A. GRCh37 (hg19) VCF-style: chr2-88874536-G-A.
Other names: c.2012C>T, p.Pro671Leu (NM_001313915.2); short protein forms P671L, P822L.
Identifiers: ClinVar variation 1367166 (VCV001367166.4), dbSNP rs551274166, ClinGen allele CA1754448.